The following is an entry in ClinVar:

NM_001999.4(FBN2):c.5675-9del

Gene: FBN2 (fibrillin 2; minus strand). Cytogenetic location: 5q23.3.
Variant type: Deletion.
Coding change: c.5675-9del on transcript NM_001999.4 (MANE Select); 9 bases into the intron before coding-DNA position 5675, one base deleted (C; older notation c.5675-9delC).
Molecular consequence: intron variant.
Genome position (GRCh38, 1-based): chr5:128,305,091, G deleted on the plus strand (C on the coding strand, the reverse complement: FBN2 is on the minus strand). VCF-style (leftmost placement, unchanged base first): chr5-128305090-AG-A. GRCh37 (hg19) VCF-style: chr5-127640782-AG-A.
Other names: p.?; c.5675-9del (NM_001999.3).
Identifiers: ClinVar variation 213239 (VCV000213239.25), dbSNP rs112666443, ClinGen allele CA320382.

ClinVar aggregate classification (germline): Benign. Review status: criteria provided, multiple submitters, no conflicts (2 of 4 stars). 8 submissions from 8 submitters: Benign (8). Last evaluated 2026-02-04.

Conditions:
Congenital contractural arachnodactyly (CCA). Also called: BEALS SYNDROME; Beals-Hecht syndrome; Arthrogryposis, distal, type 9. Identifiers: Orphanet 115, MedGen C0220668, MONDO:0007363, OMIM 121050.

Allele frequency attached by ClinVar (database versions not stated): gnomAD exomes 0.00463 and 0.01524; ExAC 0.02868; gnomAD 0.04685 and 0.05000; TOPMed 0.05145; 1000 Genomes Project 30x 0.06012; ESP Exome Variant Server 0.62328.

Submissions (8):

Labcorp Genetics (formerly Invitae), Labcorp
Classification: Benign for Congenital contractural arachnodactyly. Last evaluated: 2026-02-04. Review status: criteria provided, single submitter. Criteria: Invitae Variant Classification Sherloc (09022015). Collection method: clinical testing. Allele origin: germline.

Blueprint Genetics
Classification: Benign. Last evaluated: 2024-11-26. Review status: criteria provided, single submitter. Criteria: ACMG Guidelines, 2015. Collection method: clinical testing. Allele origin: germline.

Women's Health and Genetics/Laboratory Corporation of America, LabCorp
Classification: Benign. Last evaluated: 2023-04-10. Review status: criteria provided, single submitter. Criteria: LabCorp Variant Classification Summary - May 2015. Collection method: clinical testing. Allele origin: germline.

Mayo Clinic Laboratories, Mayo Clinic
Classification: Benign. Last evaluated: 2015-10-19. Review status: criteria provided, single submitter. Criteria: ACMG Guidelines, 2015. Collection method: clinical testing. Allele origin: germline. Observed: 205 variant alleles.

Laboratory for Molecular Medicine, Mass General Brigham Personalized Medicine
Classification: Benign. Last evaluated: 2015-07-16. Review status: criteria provided, single submitter. Criteria: LMM Criteria. Collection method: clinical testing. Allele origin: germline. Observed: 1 variant allele.
Comment: c.5675-9delC in intron 44 of FBN2: This variant is not expected to have clinical significance because it has been identified in 23% (1548/6764) of African chrom osomes by the Exome Aggregation Consortium (ExAC ; dbSNP rs112666443).

Eurofins Ntd Llc (ga)
Classification: Benign. Last evaluated: 2015-07-10. Review status: criteria provided, single submitter. Criteria: EGL Classification Definitions 2015. Collection method: clinical testing. Allele origin: germline. Observed: 1 variant allele.

GeneDx
Classification: Benign. Last evaluated: 2015-03-03. Review status: criteria provided, single submitter. Criteria: GeneDx Variant Classification (06012015). Collection method: clinical testing. Allele origin: germline. Affected: yes.
Comment: This variant was found in TAADV2-PANCARD,TAAD,TAADV2-1

PreventionGenetics, part of Exact Sciences
Classification: Benign. Review status: criteria provided, single submitter. Criteria: ACMG Guidelines, 2015. Collection method: clinical testing. Allele origin: germline.